The following is an entry in ClinVar:

NM_001142864.4(PIEZO1):c.5886C>T (p.Ala1962=)

Gene: PIEZO1 (piezo type mechanosensitive ion channel component 1 (Er blood group); minus strand). Cytogenetic location: 16q24.3.
Variant type: single nucleotide variant.
Coding change: c.5886C>T on transcript NM_001142864.4 (MANE Select); coding-DNA position 5886, C replaced by T.
Protein change: p.Ala1962=; no amino-acid change (alanine 1962 retained).
Molecular consequence: synonymous variant.
Genome position (GRCh38, 1-based): chr16:88,720,448, G>A on the plus strand (C>T on the coding strand, the complement: PIEZO1 is on the minus strand). VCF-style: chr16-88720448-G-A. GRCh37 (hg19) VCF-style: chr16-88786856-G-A.
Other names: p.Ala1962=.
Identifiers: ClinVar variation 722897 (VCV000722897.10), dbSNP rs759432099, ClinGen allele CA8231743.
Genomic context (GRCh38, chr16:88,720,448, plus strand): 5'-AAAGGCCCAGAAGCCAAAAATGATGATGATGAAGTCGACAACATCAGCCAGGAACATGAG[G>A]GCATAGACGTCGGTGGCTGCGCGGTACTTGGTGTGCAGGATGTCGTGGAAGAAGCGCCGT-3'
Protein context (NP_001136336.2, residues 1952-1972): TKYRAATDVY[Ala1962=]LMFLADVVDF

ClinVar aggregate classification (germline): Likely benign. Review status: criteria provided, multiple submitters, no conflicts (2 of 4 stars). 4 submissions from 4 submitters: Likely benign (4). Last evaluated 2024-12-23.

Allele frequency attached by ClinVar (database versions not stated): ExAC 0.00005; TOPMed 0.00012; gnomAD 0.00015; gnomAD exomes 0.00017.
gnomAD v4.1: 285 of 1,550,374 alleles (0.018%); highest among the groups gnomAD compares: Non-Finnish European, 0.023%; no homozygotes.

Submissions (4):

Mayo Clinic Laboratories, Mayo Clinic
Classification: Likely benign. Last evaluated: 2024-12-23. Review status: criteria provided, single submitter. Criteria: ACMG Guidelines, 2015. Collection method: clinical testing. Allele origin: germline. Observed: 1 variant allele.
Comment: BP4, BP7

ARUP Laboratories, Molecular Genetics and Genomics, ARUP Laboratories
Classification: Likely benign. Last evaluated: 2024-12-06. Review status: criteria provided, single submitter. Criteria: ARUP Molecular Germline Variant Investigation Process 2024. Collection method: clinical testing. Allele origin: germline.

Blueprint Genetics
Classification: Likely benign. Last evaluated: 2024-10-17. Review status: criteria provided, single submitter. Criteria: ACMG Guidelines, 2015. Collection method: clinical testing. Allele origin: germline.

Labcorp Genetics (formerly Invitae), Labcorp
Classification: Likely benign. Last evaluated: 2024-10-12. Review status: criteria provided, single submitter. Criteria: Invitae Variant Classification Sherloc (09022015). Collection method: clinical testing. Allele origin: germline.